The following is an entry in ClinVar:

ClinVar aggregate classification (germline): Likely benign (1 of 4 stars; one submission).

Submission:

CeGaT Center for Human Genetics Tuebingen
Classification: Likely benign. Last evaluated: 2026-05-01. Review status: criteria provided, single submitter. Criteria: CeGaT Center For Human Genetics Tuebingen Variant Classification Criteria Version 2. Collection method: clinical testing. Allele origin: germline. Affected: yes. Observed: 2 variant alleles.
Comment: CD163L1: PM2:Supporting, BP4, BP7

NM_174941.6(CD163L1):c.3393A>C (p.Ala1131=)

Gene: CD163L1 (CD163 molecule like 1; minus strand). Cytogenetic location: 12p13.31.
Variant type: single nucleotide variant.
Coding change: c.3393A>C on transcript NM_174941.6 (MANE Select); coding-DNA position 3393, A replaced by C.
Protein change: p.Ala1131=; no amino-acid change (alanine 1131 retained).
Molecular consequence: synonymous variant.
Genome position (GRCh38, 1-based): chr12:7,374,458, T>G on the plus strand (A>C on the coding strand, the complement: CD163L1 is on the minus strand). VCF-style: chr12-7374458-T-G. GRCh37 (hg19) VCF-style: chr12-7527054-T-G.
Other names: c.3423A>C, p.Ala1141= (NM_001297650.2).
Identifiers: ClinVar variation 2642670 (VCV002642670.24), dbSNP rs1279997668, ClinGen allele CA478206845.
Genomic context (GRCh38, chr12:7,374,458, plus strand): 5'-GTGCACGTGTGTGTAGAGGAGGGTGAAAAGGTAGCAGCACAGACCTGAGCAGATGACCCC[T>G]GCGTCCTCCTTGTGCCTGCAGTCGTGCTGCCCCCAGCCGCGGGAAGGGCACTGCCACAAG-3'
Protein context (NP_777601.3, residues 1121-1141): GQHDCRHKED[Ala1131=]GVICSEFTAL